The following is an entry in ClinVar:

NM_017649.5(CNNM2):c.1597G>A (p.Ala533Thr)

Gene: CNNM2 (cyclin and CBS domain divalent metal cation transport mediator 2; plus strand). Cytogenetic location: 10q24.32.
Variant type: single nucleotide variant.
Coding change: c.1597G>A on transcript NM_017649.5 (MANE Select); coding-DNA position 1597, G replaced by A.
Protein change: p.Ala533Thr; replaces alanine 533 with threonine.
Molecular consequence: missense variant.
Genome position (GRCh38, 1-based): chr10:102,920,077, G>A. VCF-style: chr10-102920077-G-A. GRCh37 (hg19) VCF-style: chr10-104679834-G-A.
Other names: c.1597G>A, p.Ala533Thr (NM_199076.3, NM_199077.3); short protein forms A533T.
Identifiers: ClinVar variation 2960605 (VCV002960605.3), dbSNP rs146507239, ClinGen allele CA5670389.

ClinVar aggregate classification (germline): Uncertain significance (1 of 4 stars; one submission).

Allele frequency attached by ClinVar (database versions not stated): gnomAD 0.00001; gnomAD exomes 0.00001; TOPMed 0.00001; ExAC 0.00003; ESP Exome Variant Server 0.00008.
gnomAD v4.1: 11 of 1,614,082 alleles (0.00068%); highest among the groups gnomAD compares: African/African-American, 0.0013%; no homozygotes.

Submission:

Labcorp Genetics (formerly Invitae), Labcorp
Classification: Uncertain significance. Last evaluated: 2023-05-09. Review status: criteria provided, single submitter. Criteria: Invitae Variant Classification Sherloc (09022015). Collection method: clinical testing. Allele origin: germline.
Comment: This variant has not been reported in the literature in individuals affected with CNNM2-related conditions. Advanced modeling of protein sequence and biophysical properties (such as structural, functional, and spatial information, amino acid conservation, physicochemical variation, residue mobility, and thermodynamic stability) performed at Invitae indicates that this missense variant is not expected to disrupt CNNM2 protein function. In summary, the available evidence is currently insufficient to determine the role of this variant in disease. Therefore, it has been classified as a Variant of Uncertain Significance. This variant is present in population databases (rs146507239, gnomAD 0.01%). This sequence change replaces alanine, which is neutral and non-polar, with threonine, which is neutral and polar, at codon 533 of the CNNM2 protein (p.Ala533Thr).